The following is an entry in ClinVar:

ClinVar aggregate classification (germline): Uncertain significance (1 of 4 stars; one submission).

Conditions:
Dyskeratosis congenita. Identifiers: Orphanet 1775, MedGen C0265965, MONDO:0015780.

Submission:

Labcorp Genetics (formerly Invitae), Labcorp
Classification: Uncertain significance for Dyskeratosis congenita. Last evaluated: 2025-02-27. Review status: criteria provided, single submitter. Criteria: Invitae Variant Classification Sherloc (09022015). Collection method: clinical testing. Allele origin: germline.
Comment: This sequence change replaces leucine, which is neutral and non-polar, with proline, which is neutral and non-polar, at codon 28 of the NHP2 protein (p.Leu28Pro). This variant is not present in population databases (gnomAD no frequency). This variant has not been reported in the literature in individuals affected with NHP2-related conditions. An algorithm developed to predict the effect of missense changes on protein structure and function (PolyPhen-2) suggests that this variant is likely to be disruptive. In summary, the available evidence is currently insufficient to determine the role of this variant in disease. Therefore, it has been classified as a Variant of Uncertain Significance.

NM_017838.4(NHP2):c.83T>C (p.Leu28Pro)

Gene: NHP2 (NHP2 ribonucleoprotein; minus strand). Cytogenetic location: 5q35.3.
Variant type: single nucleotide variant.
Coding change: c.83T>C on transcript NM_017838.4 (MANE Select); coding-DNA position 83, T replaced by C.
Protein change: p.Leu28Pro; replaces leucine 28 with proline.
Molecular consequence: missense variant.
Genome position (GRCh38, 1-based): chr5:178,153,735, A>G on the plus strand (T>C on the coding strand, the complement: NHP2 is on the minus strand). VCF-style: chr5-178153735-A-G. GRCh37 (hg19) VCF-style: chr5-177580736-A-G.
Other names: c.83T>C, p.Leu28Pro (NM_001034833.2, NM_001396110.1); short protein forms L28P.
Identifiers: ClinVar variation 4806869 (VCV004806869.1).